The following is an entry in ClinVar:

NM_020191.4(MRPS22):c.733-262C>G

Gene: MRPS22 (mitochondrial ribosomal protein S22; plus strand). Cytogenetic location: 3q23.
Variant type: single nucleotide variant.
Coding change: c.733-262C>G on transcript NM_020191.4 (MANE Select); 262 bases into the intron before coding-DNA position 733, C replaced by G.
Molecular consequence: intron variant.
Genome position (GRCh38, 1-based): chr3:139,352,385, C>G. VCF-style: chr3-139352385-C-G. GRCh37 (hg19) VCF-style: chr3-139071227-C-G.
Other names: c.730-262C>G (NM_001363893.1); c.610-262C>G (NM_001363857.1).
Identifiers: ClinVar variation 671345 (VCV000671345.2), dbSNP rs59958973, ClinGen allele CA83995145.

ClinVar aggregate classification (germline): Benign. Review status: criteria provided, multiple submitters, no conflicts (2 of 4 stars). 2 submissions from 2 submitters: Benign (2). Last evaluated 2018-06-19.

Allele frequency attached by ClinVar (database versions not stated): 1000 Genomes Project 0.06030; 1000 Genomes Project 30x 0.06106; TOPMed 0.06598; gnomAD 0.07548 and 0.07549; gnomAD exomes 0.07849.
gnomAD v4.1: 31,398 of 406,564 alleles (7.7%); highest among the groups gnomAD compares: Middle Eastern, 11%; 1,358 homozygotes.

Submissions (2):

GeneDx
Classification: Benign. Last evaluated: 2018-06-19. Review status: criteria provided, single submitter. Criteria: GeneDx Variant Classification (06012015). Collection method: clinical testing. Allele origin: germline. Affected: yes.
Comment: This variant is considered likely benign or benign based on one or more of the following criteria: it is a conservative change, it occurs at a poorly conserved position in the protein, it is predicted to be benign by multiple in silico algorithms, and/or has population frequency not consistent with disease.

Breakthrough Genomics
Classification: Benign. Review status: criteria provided, single submitter. Criteria: ACMG Guidelines, 2015. Collection method: not provided. Allele origin: germline. Inheritance: Autosomal recessive inheritance. Affected: yes.